The following is an entry in ClinVar:

ClinVar aggregate classification (germline): Pathogenic (1 of 4 stars; one submission).

Allele frequency attached by ClinVar (database versions not stated): gnomAD exomes below 0.00001; TOPMed below 0.00001.

Submission:

Labcorp Genetics (formerly Invitae), Labcorp
Classification: Pathogenic. Last evaluated: 2022-09-24. Review status: criteria provided, single submitter. Criteria: Invitae Variant Classification Sherloc (09022015). Collection method: clinical testing. Allele origin: germline.
Comment: This variant is not present in population databases (gnomAD no frequency). This premature translational stop signal has been observed in individual(s) with features of acute intermittent porphyria (PMID: 19460837). ClinVar contains an entry for this variant (Variation ID: 1072575). Algorithms developed to predict the effect of sequence changes on RNA splicing suggest that this variant may disrupt the consensus splice site. For these reasons, this variant has been classified as Pathogenic. This sequence change creates a premature translational stop signal (p.Arg47*) in the PPOX gene. It is expected to result in an absent or disrupted protein product. Loss-of-function variants in PPOX are known to be pathogenic (PMID: 10486317).

Literature cited by the submitters: PubMed 19460837; PubMed 10486317.

NM_001122764.3(PPOX):c.139C>T (p.Arg47Ter)

Gene: PPOX (protoporphyrinogen oxidase; plus strand). Cytogenetic location: 1q23.3.
Variant type: single nucleotide variant.
Coding change: c.139C>T on transcript NM_001122764.3 (MANE Select); coding-DNA position 139, C replaced by T.
Protein change: p.Arg47Ter; replaces arginine 47 with a stop codon.
Molecular consequence: nonsense. On other transcripts: 5 prime UTR variant (5).
Genome position (GRCh38, 1-based): chr1:161,167,151, C>T. VCF-style: chr1-161167151-C-T. GRCh37 (hg19) VCF-style: chr1-161136941-C-T.
Other names: c.139C>T, p.Arg47Ter (NM_000309.5, NM_001350128.2, NM_001365398.1 and 1 more transcripts); c.-289C>T (NM_001350129.2); c.-380C>T (NM_001350130.2); c.-266C>T (NM_001350131.2); c.-173C>T (NM_001365400.1); c.-232C>T (NM_001365401.1); short protein forms R47*.
Identifiers: ClinVar variation 1072575 (VCV001072575.9), dbSNP rs1659274238, ClinGen allele CA343351323.